The following is an entry in ClinVar:

ClinVar aggregate classification (germline): Likely benign (0 of 4 stars; one submission).

Conditions:
CPZ-related disorder. Also called: CPZ-related condition.

Allele frequency attached by ClinVar (database versions not stated): 1000 Genomes Project 30x 0.00031; 1000 Genomes Project 0.00040; ExAC 0.00092; ESP Exome Variant Server 0.00100; TOPMed 0.00114; gnomAD 0.00128.
gnomAD v4.1: 2,581 of 1,614,056 alleles (0.16%); highest among the groups gnomAD compares: Non-Finnish European, 0.21%; 3 homozygotes.

Submission:

PreventionGenetics, part of Exact Sciences
Classification: Likely benign for CPZ-related condition. Last evaluated: 2022-07-18. Review status: no assertion criteria provided. Collection method: clinical testing. Allele origin: germline.
Comment: This variant is classified as likely benign based on ACMG/AMP sequence variant interpretation guidelines (Richards et al. 2015 PMID: 25741868, with internal and published modifications).

NM_001014447.3(CPZ):c.850C>T (p.Arg284Cys)

Gene: CPZ (carboxypeptidase Z; plus strand). Cytogenetic location: 4p16.1.
Variant type: single nucleotide variant.
Coding change: c.850C>T on transcript NM_001014447.3 (MANE Select); coding-DNA position 850, C replaced by T.
Protein change: p.Arg284Cys; replaces arginine 284 with cysteine.
Molecular consequence: missense variant.
Genome position (GRCh38, 1-based): chr4:8,606,129, C>T. VCF-style: chr4-8606129-C-T. GRCh37 (hg19) VCF-style: chr4-8607856-C-T.
Other names: c.439C>T, p.Arg147Cys (NM_001014448.3); c.817C>T, p.Arg273Cys (NM_003652.4); short protein forms R147C, R273C, R284C.
Identifiers: ClinVar variation 3049378 (VCV003049378.2), dbSNP rs141203560, ClinGen allele CA2853384.
Genomic context (GRCh38, chr4:8,606,129, plus strand): 5'-TACCTGTGCTCTGAGTACCTGCTTGGTAACCCCCGCATCCAGCGCCTGCTCAACACCACC[C>T]GCATCCACCTGCTGCCCTCCATGAACCCTGACGGCTATGAGGTGGCAGCTGCCGAGGTGA-3'
Protein context (NP_001014447.2, residues 274-294): PRIQRLLNTT[Arg284Cys]IHLLPSMNPD